The following is an entry in ClinVar:

ClinVar aggregate classification (germline): Benign (1 of 4 stars; one submission).

Allele frequency attached by ClinVar (database versions not stated): 1000 Genomes Project 30x 0.14319; TOPMed 0.15243; 1000 Genomes Project 0.13498; gnomAD 0.14368.
gnomAD v4.1: 22,073 of 151,954 alleles (15%); highest among the groups gnomAD compares: African/African-American, 29%; 2,195 homozygotes.

Submission:

GeneDx
Classification: Benign. Last evaluated: 2018-06-19. Review status: criteria provided, single submitter. Criteria: GeneDx Variant Classification (06012015). Collection method: clinical testing. Allele origin: germline. Affected: yes.
Comment: This variant is considered likely benign or benign based on one or more of the following criteria: it is a conservative change, it occurs at a poorly conserved position in the protein, it is predicted to be benign by multiple in silico algorithms, and/or has population frequency not consistent with disease.

NM_006073.4(TRDN):c.1051+232A>C

Gene: TRDN (triadin; minus strand). Cytogenetic location: 6q22.31.
Variant type: single nucleotide variant.
Coding change: c.1051+232A>C on transcript NM_006073.4 (MANE Select); 232 bases into the intron after coding-DNA position 1051, A replaced by C.
Molecular consequence: intron variant.
Genome position (GRCh38, 1-based): chr6:123,437,831, T>G on the plus strand (A>C on the coding strand, the complement: TRDN is on the minus strand). VCF-style: chr6-123437831-T-G. GRCh37 (hg19) VCF-style: chr6-123758976-T-G.
Other names: c.1054+232A>C (NM_001251987.2).
Identifiers: ClinVar variation 678658 (VCV000678658.1), dbSNP rs9482386, ClinGen allele CA12393726.